The following is an entry in ClinVar:

NM_182493.3(MYLK3):c.430G>T (p.Gly144Trp)

Gene: MYLK3 (myosin light chain kinase 3; minus strand). Cytogenetic location: 16q11.2.
Variant type: single nucleotide variant.
Coding change: c.430G>T on transcript NM_182493.3 (MANE Select); coding-DNA position 430, G replaced by T.
Protein change: p.Gly144Trp; replaces glycine 144 with tryptophan.
Molecular consequence: missense variant. On other transcripts: intron variant (1).
Genome position (GRCh38, 1-based): chr16:46,747,764, C>A on the plus strand (G>T on the coding strand, the complement: MYLK3 is on the minus strand). VCF-style: chr16-46747764-C-A. GRCh37 (hg19) VCF-style: chr16-46781676-C-A.
Other names: c.-113-7617G>T (NM_001308301.1); short protein forms G144W.
Identifiers: ClinVar variation 2036726 (VCV002036726.4), dbSNP rs2548911313, ClinGen allele CA395796821.

ClinVar aggregate classification (germline): Uncertain significance (1 of 4 stars; one submission).

Submission:

Labcorp Genetics (formerly Invitae), Labcorp
Classification: Uncertain significance. Last evaluated: 2022-10-25. Review status: criteria provided, single submitter. Criteria: Invitae Variant Classification Sherloc (09022015). Collection method: clinical testing. Allele origin: germline.
Comment: This sequence change replaces glycine, which is neutral and non-polar, with tryptophan, which is neutral and slightly polar, at codon 144 of the MYLK3 protein (p.Gly144Trp). This variant is not present in population databases (gnomAD no frequency). This variant has not been reported in the literature in individuals affected with MYLK3-related conditions. Algorithms developed to predict the effect of missense changes on protein structure and function are either unavailable or do not agree on the potential impact of this missense change (SIFT: "Deleterious"; PolyPhen-2: "Probably Damaging"; Align-GVGD: "Class C0"). In summary, the available evidence is currently insufficient to determine the role of this variant in disease. Therefore, it has been classified as a Variant of Uncertain Significance.